The following is an entry in ClinVar:

ClinVar aggregate classification (germline): Uncertain significance (1 of 4 stars; one submission).

Conditions:
Left ventricular noncompaction 8 (LVNC8). Identifiers: Orphanet 154, Orphanet 54260, MedGen C3809288, MONDO:0014152, OMIM 615373.

gnomAD v4.1: 18 of 1,613,728 alleles (0.0011%); highest among the groups gnomAD compares: East Asian, 0.0022%; no homozygotes.

Submission:

Labcorp Genetics (formerly Invitae), Labcorp
Classification: Uncertain significance for Left ventricular noncompaction 8. Last evaluated: 2025-03-31. Review status: criteria provided, single submitter. Criteria: Invitae Variant Classification Sherloc (09022015). Collection method: clinical testing. Allele origin: germline.
Comment: This sequence change replaces serine, which is neutral and polar, with leucine, which is neutral and non-polar, at codon 1265 of the PRDM16 protein (p.Ser1265Leu). This variant is present in population databases (rs771454903, gnomAD 0.005%). This variant has not been reported in the literature in individuals affected with PRDM16-related conditions. An algorithm developed to predict the effect of missense changes on protein structure and function (PolyPhen-2) suggests that this variant is likely to be tolerated. In summary, the available evidence is currently insufficient to determine the role of this variant in disease. Therefore, it has been classified as a Variant of Uncertain Significance.

NM_022114.4(PRDM16):c.3794C>T (p.Ser1265Leu)

Gene: PRDM16 (PR/SET domain 16; plus strand). Cytogenetic location: 1p36.32.
Variant type: single nucleotide variant.
Coding change: c.3794C>T on transcript NM_022114.4 (MANE Select); coding-DNA position 3794, C replaced by T.
Protein change: p.Ser1265Leu; replaces serine 1265 with leucine.
Molecular consequence: missense variant.
Genome position (GRCh38, 1-based): chr1:3,433,774, C>T. VCF-style: chr1-3433774-C-T. GRCh37 (hg19) VCF-style: chr1-3350338-C-T.
Other names: c.3737C>T, p.Ser1246Leu (NM_199454.3); short protein forms S1246L, S1265L.
Identifiers: ClinVar variation 3674219 (VCV003674219.2).